The following is an entry in ClinVar:

NM_006940.6(SOX5):c.271-2781_481+537del

Genes: SOX5 (SRY-box transcription factor 5; minus strand), LOC129390413 (MPRA-validated peak1611 silencer; plus strand). Cytogenetic location: 12p12.1.
Variant type: Deletion.
Coding change: c.271-2781_481+537del on transcript NM_006940.6 (MANE Select); 2781 bases into the intron before coding-DNA position 271 through 537 bases into the intron after coding-DNA position 481, 3,529 bases deleted.
Molecular consequence: splice acceptor variant, splice donor variant.
Genome position (GRCh38, 1-based): chr12:23,845,446-23,848,974, 3,529 bases deleted. GRCh37 (hg19): chr12:23,998,380-24,001,908.
Other names: c.232-2781_442+537del (NM_152989.5, NM_001261414.3); c.241-2781_451+537del (NM_001261415.3); c.166-2781_376+537del (NM_001330785.2).
Identifiers: ClinVar variation 978097 (VCV000978097.2), ClinGen allele CA1139662545.

ClinVar aggregate classification (germline): Likely pathogenic (1 of 4 stars; one submission).

Conditions:
Lamb-Shaffer syndrome. Identifiers: Orphanet 313884, Orphanet 313892, Orphanet 530983, MedGen C4225202, MONDO:0014778, OMIM 616803.

Submission:

New York Genome Center
Classification: Likely pathogenic for Lamb-Shaffer syndrome. Last evaluated: 2020-01-16. Review status: criteria provided, single submitter. Criteria: NYGC Assertion Criteria 2020. Collection method: clinical testing. Allele origin: de novo. Affected: yes. Observed: 1 heterozygote. Study: CSER-NYCKidSeq.
Comment: The c.271-2781_481+537del variant encompassing exon 3 of SOX5 gene has not been reported in the literature. This variant is not reported in gnomAD SVs v2.1 database, indicating this is a rare allele. The deletion of exon 3 is predicted to cause an out of frame deletion that would create a frameshift at amino acid 91 and premature stop further downstream [PMID: 24681721].In silico tool predicts the variant is expected to result in an absent protein product through nonsense-mediated mRNAdecay [PMID: 24681721]. Based on the available evidence, the variant c.271-2781_481+537del, p.Glu91Lysfs*28 in the SOX5gene is classified as likely pathogenic.